The following is an entry in ClinVar:

ClinVar aggregate classification (germline): Uncertain significance (1 of 4 stars; one submission).

gnomAD v4.1: 10 of 1,209,748 alleles (0.00083%); highest among the groups gnomAD compares: East Asian, 0.0089%; no homozygotes.

Submission:

Labcorp Genetics (formerly Invitae), Labcorp
Classification: Uncertain significance. Last evaluated: 2025-07-30. Review status: criteria provided, single submitter. Criteria: Invitae Variant Classification Sherloc (09022015). Collection method: clinical testing. Allele origin: germline.
Comment: This sequence change replaces arginine, which is basic and polar, with histidine, which is basic and polar, at codon 23 of the MAMLD1 protein (p.Arg23His). This variant is present in population databases (rs373970502, gnomAD 0.008%), including at least one homozygous and/or hemizygous individual. This variant has not been reported in the literature in individuals affected with MAMLD1-related conditions. An algorithm developed to predict the effect of missense changes on protein structure and function outputs the following: PolyPhen-2: "Possibly Damaging". The histidine amino acid residue is found in multiple mammalian species, which suggests that this missense change does not adversely affect protein function. In summary, the available evidence is currently insufficient to determine the role of this variant in disease. Therefore, it has been classified as a Variant of Uncertain Significance.

NM_005491.5(MAMLD1):c.68G>A (p.Arg23His)

Gene: MAMLD1 (mastermind like domain containing 1; plus strand). Cytogenetic location: Xq28.
Variant type: single nucleotide variant.
Coding change: c.68G>A on transcript NM_005491.5 (MANE Select); coding-DNA position 68, G replaced by A.
Protein change: p.Arg23His; replaces arginine 23 with histidine.
Molecular consequence: missense variant.
Genome position (GRCh38, 1-based): chrX:150,445,584, G>A. VCF-style: chrX-150445584-G-A. GRCh37 (hg19) VCF-style: chrX-149613850-G-A.
Other names: c.68G>A, p.Arg23His (NM_001177465.3, NM_001177466.3, NM_001400512.1 and 3 more transcripts); short protein forms R23H.
Identifiers: ClinVar variation 4707979 (VCV004707979.1).